The following is an entry in ClinVar:

ClinVar aggregate classification (germline): Uncertain significance. Review status: criteria provided, multiple submitters, no conflicts (2 of 4 stars). 2 submissions from 2 submitters: Uncertain significance (2). Last evaluated 2022-07-26.

Allele frequency attached by ClinVar (database versions not stated): ExAC 0.00001; gnomAD 0.00001; gnomAD exomes 0.00001 and 0.00002; TOPMed 0.00001.
gnomAD v4.1: 34 of 1,613,850 alleles (0.0021%); highest among the groups gnomAD compares: East Asian, 0.011%; no homozygotes.

Submissions (2):

Labcorp Genetics (formerly Invitae), Labcorp
Classification: Uncertain significance. Last evaluated: 2022-07-26. Review status: criteria provided, single submitter. Criteria: Invitae Variant Classification Sherloc (09022015). Collection method: clinical testing. Allele origin: germline.
Comment: This sequence change replaces alanine, which is neutral and non-polar, with threonine, which is neutral and polar, at codon 676 of the MTTP protein (p.Ala676Thr). This variant is present in population databases (rs760037070, gnomAD 0.006%). This variant has not been reported in the literature in individuals affected with MTTP-related conditions. ClinVar contains an entry for this variant (Variation ID: 1461033). Algorithms developed to predict the effect of missense changes on protein structure and function (SIFT, PolyPhen-2, Align-GVGD) all suggest that this variant is likely to be tolerated. In summary, the available evidence is currently insufficient to determine the role of this variant in disease. Therefore, it has been classified as a Variant of Uncertain Significance.

Mayo Clinic Laboratories, Mayo Clinic
Classification: Uncertain significance. Last evaluated: 2022-02-11. Review status: criteria provided, single submitter. Criteria: ACMG Guidelines, 2015. Collection method: clinical testing. Allele origin: germline. Observed: 1 variant allele.
Comment: BP4, PM2

NM_001386140.1(MTTP):c.2026G>A (p.Ala676Thr)

Gene: MTTP (microsomal triglyceride transfer protein; plus strand). Cytogenetic location: 4q23.
Variant type: single nucleotide variant.
Coding change: c.2026G>A on transcript NM_001386140.1 (MANE Select); coding-DNA position 2026, G replaced by A.
Protein change: p.Ala676Thr; replaces alanine 676 with threonine.
Molecular consequence: missense variant.
Genome position (GRCh38, 1-based): chr4:99,612,949, G>A. VCF-style: chr4-99612949-G-A. GRCh37 (hg19) VCF-style: chr4-100534106-G-A.
Other names: p.Ala676Thr; c.2026G>A, p.Ala676Thr (NM_000253.4); c.1777G>A, p.Ala593Thr (NM_001300785.2); c.2026G>A (NM_000253.3); short protein forms A676T, A593T.
Identifiers: ClinVar variation 1461033 (VCV001461033.4), dbSNP rs760037070, ClinGen allele CA3022278.